The following is an entry in ClinVar:

ClinVar aggregate classification (germline): Uncertain significance (1 of 4 stars; one submission).

Conditions:
Charcot-Marie-Tooth disease type 4. Also called: Charcot-Marie-Tooth, Type 4; Charcot-Marie-Tooth disease, type IV. Identifiers: Orphanet 64749, MedGen C4082197, MONDO:0018995.

Submission:

Labcorp Genetics (formerly Invitae), Labcorp
Classification: Uncertain significance for Charcot-Marie-Tooth disease type 4. Last evaluated: 2024-02-11. Review status: criteria provided, single submitter. Criteria: Invitae Variant Classification Sherloc (09022015). Collection method: clinical testing. Allele origin: germline.
Comment: This sequence change replaces serine, which is neutral and polar, with cysteine, which is neutral and slightly polar, at codon 1606 of the SBF2 protein (p.Ser1606Cys). This variant is not present in population databases (gnomAD no frequency). This variant has not been reported in the literature in individuals affected with SBF2-related conditions. ClinVar contains an entry for this variant (Variation ID: 2143887). Advanced modeling of protein sequence and biophysical properties (such as structural, functional, and spatial information, amino acid conservation, physicochemical variation, residue mobility, and thermodynamic stability) performed at Invitae indicates that this missense variant is not expected to disrupt SBF2 protein function with a negative predictive value of 80%. In summary, the available evidence is currently insufficient to determine the role of this variant in disease. Therefore, it has been classified as a Variant of Uncertain Significance.

NM_030962.4(SBF2):c.4817C>G (p.Ser1606Cys)

Genes: SBF2 (SET binding factor 2; minus strand), SBF2-AS1 (SBF2 antisense RNA 1; plus strand), LOC105369149 (uncharacterized LOC105369149; plus strand). Cytogenetic location: 11p15.4.
Variant type: single nucleotide variant.
Coding change: c.4817C>G on transcript NM_030962.4 (MANE Select); coding-DNA position 4817, C replaced by G.
Protein change: p.Ser1606Cys; replaces serine 1606 with cysteine.
Molecular consequence: missense variant.
Genome position (GRCh38, 1-based): chr11:9,789,224, G>C on the plus strand (C>G on the coding strand, the complement: SBF2 is on the minus strand). VCF-style: chr11-9789224-G-C. GRCh37 (hg19) VCF-style: chr11-9810771-G-C.
Other names: c.4913C>G, p.Ser1638Cys (NM_001386339.1); c.4688C>G, p.Ser1563Cys (NM_001386342.1); short protein forms S1563C, S1638C, S1606C.
Identifiers: ClinVar variation 2143887 (VCV002143887.3), dbSNP rs2494512715, ClinGen allele CA379634102.
Genomic context (GRCh38, chr11:9,789,224, plus strand): 5'-GGCCACACTGTTCTCCTCTGGCTCCGTGGCCCAGCTTCTCCAGCCAGGTCAGAGTCTTCG[G>C]AGGGGAAGTGCTTGGGGGTTAGCATCATCCAGTCATAGGAAGGGCCTGTGGACAGGGTCT-3'
Protein context (NP_112224.1, residues 1596-1616): WMMLTPKHFP[Ser1606Cys]EDSDLAGEAG